The following is an entry in ClinVar:

NM_138694.4(PKHD1):c.2279G>A (p.Arg760His)

Gene: PKHD1 (PKHD1 ciliary IPT domain containing fibrocystin/polyductin; minus strand). Cytogenetic location: 6p12.2.
Variant type: single nucleotide variant.
Coding change: c.2279G>A on transcript NM_138694.4 (MANE Select); coding-DNA position 2279, G replaced by A.
Protein change: p.Arg760His; replaces arginine 760 with histidine.
Molecular consequence: missense variant.
Genome position (GRCh38, 1-based): chr6:52,050,157, C>T on the plus strand (G>A on the coding strand, the complement: PKHD1 is on the minus strand). VCF-style: chr6-52050157-C-T. GRCh37 (hg19) VCF-style: chr6-51914955-C-T.
Other names: c.2279G>A, p.Arg760His (NM_170724.3); short protein forms R760H.
Identifiers: ClinVar variation 188876 (VCV000188876.31), dbSNP rs745770404, ClinGen allele CA274068.

ClinVar aggregate classification (germline): Pathogenic/Likely pathogenic. Review status: criteria provided, multiple submitters, no conflicts (2 of 4 stars). 12 submissions from 12 submitters: Pathogenic (9); Likely pathogenic (1). 2 of the submissions do not count toward it. Last evaluated 2025-11-18.

Conditions:
PKHD1-related disorder. Also called: PKHD1-related condition.
Polycystic kidney disease 4 (PKD4). Also called: Autosomal Recessive Polycystic Kidney Disease – PKHD1; POLYCYSTIC KIDNEY DISEASE 4 WITH OR WITHOUT POLYCYSTIC LIVER DISEASE; PKD3; POLYCYSTIC KIDNEY AND HEPATIC DISEASE 1; POLYCYSTIC KIDNEY DISEASE, INFANTILE, TYPE I. Identifiers: MedGen C4540575, MONDO:0033004, OMIM 263200.
Autosomal recessive polycystic kidney disease (ARPKD). Also called: AR polycystic kidney disease. Identifiers: Orphanet 731, Orphanet 8378, MedGen C0085548, MeSH D017044, MONDO:0009889.

Allele frequency attached by ClinVar (database versions not stated): gnomAD 0.00001; gnomAD exomes 0.00001 and 0.00002; TOPMed 0.00001; ExAC 0.00002.
gnomAD v4.1: 18 of 1,613,866 alleles (0.0011%); highest among the groups gnomAD compares: Admixed American, 0.0067%; no homozygotes.

Submissions (12):

Natera, Inc.
Classification: Pathogenic for Autosomal recessive polycystic kidney disease. Last evaluated: 2025-11-18. Review status: criteria provided, single submitter. Criteria: Natera Variant Classification Schema (03/2026). Collection method: clinical testing. Allele origin: germline.
Comment: The c.2279G>A variant in PKHD1 is a missense variant predicted to cause substitution of arginine to histidine at amino acid 760. This variant is rare in the general population with a frequency below the threshold expected for the associated phenotype(s). This variant has been observed in one or more individuals affected with the associated recessive disease, as either homozygous or compound heterozygous with a second variant (PMID: 35005812, 27225849). Additionally, this variant has been observed to segregate in affected family members (PMID: 35005812). Given the available evidence, this variant is classified as Pathogenic.

Labcorp Genetics (formerly Invitae), Labcorp
Classification: Pathogenic for Autosomal recessive polycystic kidney disease. Last evaluated: 2025-08-03. Review status: criteria provided, single submitter. Criteria: Invitae Variant Classification Sherloc (09022015). Collection method: clinical testing. Allele origin: germline.
Comment: This sequence change replaces arginine, which is basic and polar, with histidine, which is basic and polar, at codon 760 of the PKHD1 protein (p.Arg760His). This variant also falls at the last nucleotide of exon 22, which is part of the consensus splice site for this exon. This variant is present in population databases (rs745770404, gnomAD 0.006%). This missense change has been observed in individual(s) with autosomal recessive polycystic kidney disease (PMID: 11898128, 15698423, 20413436). In at least one individual the data is consistent with being in trans (on the opposite chromosome) from a pathogenic variant. ClinVar contains an entry for this variant (Variation ID: 188876). An algorithm developed to predict the effect of missense changes on protein structure and function (PolyPhen-2) suggests that this variant is likely to be disruptive. Variants that disrupt the consensus splice site are a relatively common cause of aberrant splicing (PMID: 17576681, 9536098). Studies have shown that this missense change alters mRNA splicing and is expected to lead to the loss of protein expression (PMID: 24984783). For these reasons, this variant has been classified as Pathogenic.

3billion
Classification: Pathogenic for Polycystic kidney disease 4. Last evaluated: 2025-06-30. Review status: criteria provided, single submitter. Criteria: ACMG Guidelines, 2015. Collection method: clinical testing. Allele origin: germline. Affected: yes.
Comment: The variant is observed at an extremely low frequency in the gnomAD v4.1.0 dataset (total allele frequency: 0.001%). Predicted Consequence/Location: No sentences No sentences No sentences The variant has been reported to be in trans with a pathogenic variant as either compound heterozygous or homozygous in at least 2 similarly affected unrelated individuals (PMID: 19914852, 33532864). Therefore, this variant is classified as Pathogenic according to the recommendation of ACMG/AMP guideline.

PreventionGenetics, part of Exact Sciences
Classification: Pathogenic for PKHD1-related condition. Last evaluated: 2025-05-22. Review status: criteria provided, single submitter. Criteria: ACMG Guidelines, 2015. Collection method: clinical testing. Allele origin: germline.
Comment: The PKHD1 c.2279G>A variant is predicted to result in the amino acid substitution p.Arg760His. This substitution occurs at the last nucleotide of exon 22 and is predicted to substantially affect normal splicing by available splicing prediction programs (SpliceAI, Jaganathan et al. 2019. PubMed ID: 30661751). This variant has been reported in individuals with autosomal recessive polycystic kidney disease (ARPKD) (Onuchic et al. 2002. PubMed ID: 11898128; Jordan et al. 2022. PubMed ID: 35005812). The c.2279G>A variant is reported in 0.0058% of alleles in individuals of Latino descent in gnomAD. This variant is interpreted as pathogenic.

GeneDx
Classification: Pathogenic. Last evaluated: 2025-01-31. Review status: criteria provided, single submitter. Criteria: GeneDx Variant Classification Process June 2021. Collection method: clinical testing. Allele origin: germline. Affected: yes.
Comment: Non-canonical splice variant demonstrated to result in loss of function with skipping of exon 22 leading to a frameshift (PMID: 24984783); Not observed at significant frequency in large population cohorts (gnomAD); This variant is associated with the following publications: (PMID: 35005812, 19914852, 15805161, 24984783, 34426522, 31589614, 33532864, 36964972, 37078890, 35373060, 35982159, 11898128, 15698423)

Genomic Medicine Center of Excellence, King Faisal Specialist Hospital and Research Centre
Classification: Pathogenic for Polycystic kidney disease 4. Last evaluated: 2024-03-26. Review status: criteria provided, single submitter. Criteria: ACMG Guidelines, 2015. Collection method: clinical testing. Allele origin: germline.

Fulgent Genetics
Classification: Pathogenic for Polycystic kidney disease 4. Last evaluated: 2024-03-13. Review status: criteria provided, single submitter. Criteria: ACMG Guidelines, 2015. Collection method: clinical testing. Allele origin: germline.

Blueprint Genetics
Classification: Pathogenic for PKHD1-related disorders. Last evaluated: 2023-01-03. Review status: criteria provided, single submitter. Criteria: ACMG Guidelines, 2015. Collection method: clinical testing. Allele origin: germline. Affected: yes. Observed: 5 variant alleles.

Molecular Biology Laboratory, Fundació Puigvert
Classification: Likely pathogenic for Polycystic kidney disease 4. Last evaluated: 2020-02-01. Review status: criteria provided, single submitter. Criteria: ACMG Guidelines, 2015. Collection method: research. Allele origin: maternal. Affected: yes. Study: KidneyPanel_2020.

Broad Center for Mendelian Genomics, Broad Institute of MIT and Harvard
Classification: Pathogenic for Polycystic kidney disease 4. Review status: criteria provided, single submitter. Criteria: ACMG Guidelines, 2015. Collection method: research. Allele origin: germline. Inheritance: Autosomal recessive inheritance. Affected: yes. Observed: 1 variant allele, 1 compound heterozygote. Study: Broad Institute Center for Mendelian Genomics (CMG).
Comment: The p.Arg760His variant is believed to be pathogenic based on numberous reports by other laboratories in the literature (Onuchic 2002, Bergmann 2005, Sharp 2005, Gunay-Aygun 2010).

Biochemical Molecular Genetic Laboratory, King Abdulaziz Medical City
Classification: Pathogenic for Polycystic kidney disease 4. Last evaluated: 2020-09-10. Review status: no assertion criteria provided. Collection method: clinical testing. Allele origin: germline. Affected: yes. Not counted in ClinVar's aggregate classification.

Counsyl
Classification: Likely pathogenic for Polycystic kidney disease, infantile type. Last evaluated: 2014-07-11. Review status: no assertion criteria provided. Collection method: literature only. Allele origin: unknown. Inheritance: Autosomal recessive inheritance. Not counted in ClinVar's aggregate classification.

Literature cited by the submitters: PubMed 35005812 (cited by Natera, Inc.); PubMed 27225849 (cited by Natera, Inc.); PubMed 11898128 (cited by 4 submitters); PubMed 15698423 (cited by 3 submitters); PubMed 20413436 (cited by Labcorp Genetics (formerly Invitae), Labcorp); PubMed 17576681 (cited by Labcorp Genetics (formerly Invitae), Labcorp); PubMed 9536098 (cited by Labcorp Genetics (formerly Invitae), Labcorp); PubMed 24984783 (cited by Labcorp Genetics (formerly Invitae), Labcorp); PubMed 19914852 (cited by 3 submitters); PubMed 33532864 (cited by 3billion and Molecular Biology Laboratory, Fundació Puigvert); PubMed 15805161 (cited by Broad Center for Mendelian Genomics, Broad Institute of MIT and Harvard and Counsyl).